The following is an entry in ClinVar:

NM_017934.7(PHIP):c.2162G>C (p.Arg721Pro)

Gene: PHIP (PHIP subunit of CUL4-Ring ligase complex; minus strand). Cytogenetic location: 6q14.1.
Variant type: single nucleotide variant.
Coding change: c.2162G>C on transcript NM_017934.7 (MANE Select); coding-DNA position 2162, G replaced by C.
Protein change: p.Arg721Pro; replaces arginine 721 with proline.
Molecular consequence: missense variant.
Genome position (GRCh38, 1-based): chr6:78,997,453, C>G on the plus strand (G>C on the coding strand, the complement: PHIP is on the minus strand). VCF-style: chr6-78997453-C-G. GRCh37 (hg19) VCF-style: chr6-79707170-C-G.
Other names: short protein forms R721P.
Identifiers: ClinVar variation 4976207 (VCV004976207.1).

ClinVar aggregate classification (germline): Uncertain significance (1 of 4 stars; one submission).

Submission:

GeneDx
Classification: Uncertain significance. Last evaluated: 2026-02-10. Review status: criteria provided, single submitter. Criteria: GeneDx Variant Classification Process June 2021. Collection method: clinical testing. Allele origin: germline.
Comment: Not observed at significant frequency in large population cohorts (gnomAD); In silico analysis supports that this missense variant has a deleterious effect on protein structure/function; Has not been previously published as pathogenic or benign to our knowledge